The following is an entry in ClinVar:

NM_000180.4(GUCY2D):c.479C>T (p.Thr160Ile)

Gene: GUCY2D (guanylate cyclase 2D, retinal; plus strand). Cytogenetic location: 17p13.1.
Variant type: single nucleotide variant.
Coding change: c.479C>T on transcript NM_000180.4 (MANE Select); coding-DNA position 479, C replaced by T.
Protein change: p.Thr160Ile; replaces threonine 160 with isoleucine.
Molecular consequence: missense variant.
Genome position (GRCh38, 1-based): chr17:8,003,526, C>T. VCF-style: chr17-8003526-C-T. GRCh37 (hg19) VCF-style: chr17-7906844-C-T.
Other names: c.479C>T (NM_000180.3); short protein forms T160I.
Identifiers: ClinVar variation 1509239 (VCV001509239.10), dbSNP rs750399742, ClinGen allele CA8365497.

ClinVar aggregate classification (germline): Uncertain significance. Review status: criteria provided, multiple submitters, no conflicts (2 of 4 stars). 3 submissions from 3 submitters: Uncertain significance (3). Last evaluated 2026-02-06.

Conditions:
Leber congenital amaurosis 1 (LCA1). Also called: AMAUROSIS CONGENITA OF LEBER I; Congenital absence of the rods and cones; Leber's congenital tapetoretinal degeneration; Leber's congenital tapetoretinal dysplasia; RETINAL BLINDNESS, CONGENITAL. Identifiers: Orphanet 65, MedGen C2931258, MONDO:0008764, OMIM 204000.
Cone-rod dystrophy 6 (CORD6). Also called: Cone dystrophy progressive; RETINAL CONE DYSTROPHY 2. Identifiers: Orphanet 1872, MedGen C1866293, MONDO:0011143, OMIM 601777.
GUCY2D-related disorder. Also called: GUCY2D-related condition.
Inborn genetic diseases. Identifiers: MedGen C0950123, MeSH D030342.

Allele frequency attached by ClinVar (database versions not stated): gnomAD exomes below 0.00001 and 0.00001; TOPMed 0.00002; gnomAD 0.00003; ExAC 0.00009.

Submissions (3):

PreventionGenetics, part of Exact Sciences
Classification: Uncertain significance for GUCY2D-related condition. Last evaluated: 2026-02-06. Review status: criteria provided, single submitter. Criteria: ACMG Guidelines, 2015. Collection method: clinical testing. Allele origin: germline.
Comment: The GUCY2D c.479C>T variant is predicted to result in the amino acid substitution p.Thr160Ile. To our knowledge, this variant has not been reported in the literature. This variant is reported in 0.026% of alleles in individuals of African descent in gnomAD. At this time, the clinical significance of this variant is uncertain due to the absence of conclusive functional and genetic evidence.

Ambry Genetics
Classification: Uncertain significance for Inborn genetic diseases. Last evaluated: 2025-04-13. Review status: criteria provided, single submitter. Criteria: Ambry Variant Classification Scheme 2023. Collection method: clinical testing. Allele origin: germline.

Labcorp Genetics (formerly Invitae), Labcorp
Classification: Uncertain significance for Leber congenital amaurosis 1; Cone-rod dystrophy 6. Last evaluated: 2023-12-07. Review status: criteria provided, single submitter. Criteria: Invitae Variant Classification Sherloc (09022015). Collection method: clinical testing. Allele origin: germline.
Comment: This sequence change replaces threonine, which is neutral and polar, with isoleucine, which is neutral and non-polar, at codon 160 of the GUCY2D protein (p.Thr160Ile). The frequency data for this variant in the population databases is considered unreliable, as metrics indicate poor data quality at this position in the gnomAD database. This variant has not been reported in the literature in individuals affected with GUCY2D-related conditions. ClinVar contains an entry for this variant (Variation ID: 1509239). Advanced modeling of protein sequence and biophysical properties (such as structural, functional, and spatial information, amino acid conservation, physicochemical variation, residue mobility, and thermodynamic stability) performed at Invitae indicates that this missense variant is not expected to disrupt GUCY2D protein function with a negative predictive value of 80%. In summary, the available evidence is currently insufficient to determine the role of this variant in disease. Therefore, it has been classified as a Variant of Uncertain Significance.